The following is an entry in ClinVar:

NM_022124.6(CDH23):c.1711C>T (p.Arg571Trp)

Gene: CDH23 (cadherin related 23; plus strand). Cytogenetic location: 10q22.1.
Variant type: single nucleotide variant.
Coding change: c.1711C>T on transcript NM_022124.6 (MANE Select); coding-DNA position 1711, C replaced by T.
Protein change: p.Arg571Trp; replaces arginine 571 with tryptophan.
Molecular consequence: missense variant.
Genome position (GRCh38, 1-based): chr10:71,677,652, C>T. VCF-style: chr10-71677652-C-T. GRCh37 (hg19) VCF-style: chr10-73437409-C-T.
Other names: c.1711C>T, p.Arg571Trp (NM_001171930.2, NM_001171931.2); short protein forms R571W.
Identifiers: ClinVar variation 3900904 (VCV003900904.1).

ClinVar aggregate classification (germline): Uncertain significance (1 of 4 stars; one submission).

gnomAD v4.1: 9 of 1,579,866 alleles (0.00057%); highest among the groups gnomAD compares: African/African-American, 0.0027%; no homozygotes.

Submission:

GeneDx
Classification: Uncertain significance. Last evaluated: 2024-12-02. Review status: criteria provided, single submitter. Criteria: GeneDx Variant Classification Process June 2021. Collection method: clinical testing. Allele origin: germline. Affected: yes.
Comment: Not observed at significant frequency in large population cohorts (gnomAD); In silico analysis supports that this missense variant has a deleterious effect on protein structure/function; Has not been previously published as pathogenic or benign to our knowledge